The following is an entry in ClinVar:

ClinVar aggregate classification (germline): Likely pathogenic (1 of 4 stars; one submission).

Conditions:
Intellectual developmental disorder, X-linked 1. Also called: Atkin Flaitz Patil Smith syndrome; MENTAL RETARDATION, X-LINKED 18; MENTAL RETARDATION, X-LINKED 78; Intellectual disability, X-linked 1. Identifiers: Orphanet 777, MedGen C2931498, MONDO:0010656, OMIM 309530.

Submission:

Department of Molecular Genetics, Istishari Arab Hospital
Classification: Likely pathogenic for Intellectual developmental disorder, X-linked 1. Last evaluated: 2025-09-01. Review status: criteria provided, single submitter. Criteria: ACMG Guidelines, 2015. Collection method: clinical testing. Allele origin: germline. Inheritance: Autosomal dominant inheritance. Affected: yes.
Comment: The IQSEC2 variant c.3700del, p.Ser1234Leufs*163 causes a shift in the reading frame at codon 1234 resulting in termination of protein 163 positions downstream. The frameshift variant is predicted to result in a loss or disruption of normal protein function through nonsense-mediated decay (NMD) or protein truncation. Multiple pathogenic variants are reported downstream of the variant. It is not observed in the gnomAD v4.1.0 dataset. To the best of our knowledge, this variant was not previously reported in the literature. It is classified as likely pathogenic based on ACMG/AMP/ClinGen SVI guidelines.

NM_001111125.3(IQSEC2):c.3700del (p.Ser1234fs)

Gene: IQSEC2 (IQ motif and Sec7 domain ArfGEF 2; minus strand). Cytogenetic location: Xp11.22.
Variant type: Deletion.
Coding change: c.3700del on transcript NM_001111125.3 (MANE Select); coding-DNA position 3700, one base deleted (T; older notation c.3700delT).
Protein change: p.Ser1234fs; shifts the reading frame from serine 1234.
Molecular consequence: frameshift variant. On other transcripts: 3 prime UTR variant (4), intron variant (2).
Genome position (GRCh38, 1-based): chrX:53,234,986, A deleted on the plus strand (T on the coding strand, the reverse complement: IQSEC2 is on the minus strand). VCF-style (leftmost placement, unchanged base first): chrX-53234985-GA-G. GRCh37 (hg19) VCF-style: chrX-53264167-GA-G.
Other names: p.Ser1234Leufs*163; c.*185del (NM_001410736.1, NM_001441093.1, NM_001441094.1 and 1 more transcripts); c.3451+1336del (NM_001441092.1); c.2740+1336del (NM_001441095.1); short protein forms S1234fs.
Identifiers: ClinVar variation 4077380 (VCV004077380.1).